The following is an entry in ClinVar:

NM_001035.3(RYR2):c.8131A>G (p.Ile2711Val)

Gene: RYR2 (ryanodine receptor 2; plus strand). Cytogenetic location: 1q43.
Variant type: single nucleotide variant.
Coding change: c.8131A>G on transcript NM_001035.3 (MANE Select); coding-DNA position 8131, A replaced by G.
Protein change: p.Ile2711Val; replaces isoleucine 2711 with valine.
Molecular consequence: missense variant.
Genome position (GRCh38, 1-based): chr1:237,657,945, A>G. VCF-style: chr1-237657945-A-G. GRCh37 (hg19) VCF-style: chr1-237821245-A-G.
Other names: c.8131A>G, p.Ile2711Val (LRG_402t1); short protein forms I2711V.
Identifiers: ClinVar variation 518974 (VCV000518974.8), dbSNP rs1465720686, ClinGen allele CA345401107.
Genomic context (GRCh38, chr1:237,657,945, plus strand): 5'-ATATGATTTCCTGTAAATTCTGTGAAAATCAAGCTCTTTTGTCTTTACTTTTCTCATAGT[A>G]TTACAATTCCTGAGAAATTGGAATACTTCATTAACAAATATGCAGAACACTCCCATGACA-3'
Protein context (NP_001026.2, residues 2701-2721): FNPQPVDTSN[Ile2711Val]TIPEKLEYFI

ClinVar aggregate classification (germline): Uncertain significance. Review status: criteria provided, multiple submitters, no conflicts (2 of 4 stars). 2 submissions from 2 submitters: Uncertain significance (2). Last evaluated 2026-08-07.

Conditions:
Cardiovascular phenotype. Identifiers: MedGen CN230736.

Allele frequency attached by ClinVar (database versions not stated): gnomAD exomes below 0.00001.
gnomAD v4.1: 2 of 1,486,390 alleles (0.00013%); highest among the groups gnomAD compares: Middle Eastern, 0.017%; no homozygotes.

Submissions (2):

GeneDx
Classification: Uncertain significance. Last evaluated: 2026-08-07. Review status: criteria provided, single submitter. Criteria: GeneDx Variant Classification Process June 2021. Collection method: clinical testing. Allele origin: germline.
Comment: In silico analysis suggests that this missense variant does not alter protein structure/function; Not located in one of the three hot-spot regions of the RYR2 gene, where the majority of pathogenic missense variants occur (PMID: 19926015); Has not been previously published as pathogenic or benign to our knowledge; Not observed at significant frequency in large population cohorts (gnomAD); This variant is associated with the following publications: (PMID: 19926015)

Ambry Genetics
Classification: Uncertain significance for Cardiovascular phenotype. Last evaluated: 2017-01-17. Review status: criteria provided, single submitter. Criteria: Ambry Variant Classification Scheme 2023. Collection method: clinical testing. Allele origin: germline.
Comment: The p.I2711V variant (also known as c.8131A>G), located in coding exon 54 of the RYR2 gene, results from an A to G substitution at nucleotide position 8131. The isoleucine at codon 2711 is replaced by valine, an amino acid with highly similar properties. This amino acid position is not well conserved in available vertebrate species, and valine is the reference amino acid in other vertebrate species. In addition, this alteration is predicted to be tolerated by in silico analysis. Since supporting evidence is limited at this time, the clinical significance of this alteration remains unclear.